The following is an entry in ClinVar:

ClinVar aggregate classification (germline): Uncertain significance (1 of 4 stars; one submission).

Conditions:
Developmental and epileptic encephalopathy, 53. Also called: Epileptic encephalopathy, early infantile, 53. Identifiers: MedGen C4479313, MONDO:0033362, OMIM 617389.
Early-onset Parkinson disease 20. Also called: PARKINSON DISEASE 20, AUTOSOMAL RECESSIVE EARLY-ONSET. Identifiers: Orphanet 391411, MedGen C3809824, MONDO:0014233, OMIM 615530.

Allele frequency attached by ClinVar (database versions not stated): gnomAD exomes below 0.00001; gnomAD 0.00001; TOPMed 0.00002; ESP Exome Variant Server 0.00008.
gnomAD v4.1: 2 of 1,555,108 alleles (0.00013%); highest among the groups gnomAD compares: African/African-American, 0.0027%; no homozygotes.

Submission:

Labcorp Genetics (formerly Invitae), Labcorp
Classification: Uncertain significance for Developmental and epileptic encephalopathy, 53; Early-onset Parkinson disease 20. Last evaluated: 2022-09-01. Review status: criteria provided, single submitter. Criteria: Invitae Variant Classification Sherloc (09022015). Collection method: clinical testing. Allele origin: germline.
Comment: In summary, the available evidence is currently insufficient to determine the role of this variant in disease. Therefore, it has been classified as a Variant of Uncertain Significance. Algorithms developed to predict the effect of missense changes on protein structure and function are either unavailable or do not agree on the potential impact of this missense change (SIFT: "Tolerated"; PolyPhen-2: "Probably Damaging"; Align-GVGD: "Class C0"). ClinVar contains an entry for this variant (Variation ID: 1055087). This variant has not been reported in the literature in individuals affected with SYNJ1-related conditions. This variant is not present in population databases (gnomAD no frequency). This sequence change replaces valine, which is neutral and non-polar, with isoleucine, which is neutral and non-polar, at codon 104 of the SYNJ1 protein (p.Val104Ile).

NM_203446.3(SYNJ1):c.193G>A (p.Val65Ile)

Gene: SYNJ1 (synaptojanin 1; minus strand). Cytogenetic location: 21q22.11.
Variant type: single nucleotide variant.
Coding change: c.193G>A on transcript NM_203446.3 (MANE Select); coding-DNA position 193, G replaced by A.
Protein change: p.Val65Ile; replaces valine 65 with isoleucine.
Molecular consequence: missense variant.
Genome position (GRCh38, 1-based): chr21:32,701,979, C>T on the plus strand (G>A on the coding strand, the complement: SYNJ1 is on the minus strand). VCF-style: chr21-32701979-C-T. GRCh37 (hg19) VCF-style: chr21-34074289-C-T.
Other names: c.193G>A, p.Val65Ile (NM_001160302.2, NM_001160306.2); c.310G>A, p.Val104Ile (NM_003895.4); short protein forms V104I, V65I.
Identifiers: ClinVar variation 1055087 (VCV001055087.8), dbSNP rs375254567, ClinGen allele CA319458873.